The following is an entry in ClinVar:

NM_000257.4(MYH7):c.3113T>G (p.Leu1038Arg)

Gene: MYH7 (myosin heavy chain 7; minus strand). Cytogenetic location: 14q11.2.
Variant type: single nucleotide variant.
Coding change: c.3113T>G on transcript NM_000257.4 (MANE Select); coding-DNA position 3113, T replaced by G.
Protein change: p.Leu1038Arg; replaces leucine 1038 with arginine.
Molecular consequence: missense variant.
Genome position (GRCh38, 1-based): chr14:23,422,312, A>C on the plus strand (T>G on the coding strand, the complement: MYH7 is on the minus strand). VCF-style: chr14-23422312-A-C. GRCh37 (hg19) VCF-style: chr14-23891521-A-C.
Other names: c.3113T>G, p.Leu1038Arg (NM_001407004.1); short protein forms L1038R.
Identifiers: ClinVar variation 3636025 (VCV003636025.2).
Genomic context (GRCh38, chr14:23,422,312, plus strand): 5'-TCGCCCTCCAGCTTCCGCTTCGCTCGCTCCAGGTCCATGCGCACCTTCTTCTCTTGCTCC[A>C]GGGATCCTTCCAGCTGGTAGAGAGAAGGAGCCAGGCCCAGTGAGGCAAAGCATCCTGACT-3'
Protein context (NP_000248.2, residues 1028-1048): EQQVDDLEGS[Leu1038Arg]EQEKKVRMDL

ClinVar aggregate classification (germline): Likely pathogenic (1 of 4 stars; one submission).

Conditions:
Hypertrophic cardiomyopathy. Also called: HYPERTROPHIC MYOCARDIOPATHY. Identifiers: Orphanet 217569, MedGen C0007194, MeSH D002312, MONDO:0005045, HP:0001639.

Submission:

Labcorp Genetics (formerly Invitae), Labcorp
Classification: Likely pathogenic for Hypertrophic cardiomyopathy. Last evaluated: 2024-09-21. Review status: criteria provided, single submitter. Criteria: Invitae Variant Classification Sherloc (09022015). Collection method: clinical testing. Allele origin: germline.
Comment: This sequence change replaces leucine, which is neutral and non-polar, with arginine, which is basic and polar, at codon 1038 of the MYH7 protein (p.Leu1038Arg). This variant is not present in population databases (gnomAD no frequency). This variant has not been reported in the literature in individuals affected with MYH7-related conditions. Invitae Evidence Modeling of protein sequence and biophysical properties (such as structural, functional, and spatial information, amino acid conservation, physicochemical variation, residue mobility, and thermodynamic stability) indicates that this missense variant is expected to disrupt MYH7 protein function with a positive predictive value of 95%. This variant disrupts the p.Leu1038 amino acid residue in MYH7. Other variant(s) that disrupt this residue have been determined to be pathogenic (PMID: 19293840, 23349452, 29447731). This suggests that this residue is clinically significant, and that variants that disrupt this residue are likely to be disease-causing. In summary, the currently available evidence indicates that the variant is pathogenic, but additional data are needed to prove that conclusively. Therefore, this variant has been classified as Likely Pathogenic.

Literature cited by the submitters: PubMed 19293840; PubMed 23349452; PubMed 29447731.